The following is an entry in ClinVar:

NM_004168.4(SDHA):c.1835G>A (p.Gly612Glu)

Gene: SDHA (succinate dehydrogenase complex flavoprotein subunit A; plus strand). Cytogenetic location: 5p15.33.
Variant type: single nucleotide variant.
Coding change: c.1835G>A on transcript NM_004168.4 (MANE Select); coding-DNA position 1835, G replaced by A.
Protein change: p.Gly612Glu; replaces glycine 612 with glutamic acid.
Molecular consequence: missense variant.
Genome position (GRCh38, 1-based): chr5:254,433, G>A. VCF-style: chr5-254433-G-A. GRCh37 (hg19) VCF-style: chr5-254548-G-A.
Other names: c.1691G>A, p.Gly564Glu (NM_001294332.2); c.1592G>A, p.Gly531Glu (NM_001330758.2); short protein forms G612E, G531E, G564E.
Identifiers: ClinVar variation 389139 (VCV000389139.20), dbSNP rs1057523336, ClinGen allele CA16605350.
Genomic context (GRCh38, chr5:254,433, plus strand): 5'-GATGGTGTTTCTGGCCTCAGGTGCGGATTGATGAGTACGATTACTCCAAGCCCATCCAGG[G>A]GCAACAGAAGAAGCCCTTTGAGGAGCACTGGAGGAAGCACACCCTGTCCTATGTGGACGT-3'
Protein context (NP_004159.2, residues 602-622): DEYDYSKPIQ[Gly612Glu]QQKKPFEEHW

ClinVar aggregate classification (germline): Uncertain significance. Review status: criteria provided, multiple submitters, no conflicts (2 of 4 stars). 4 submissions from 4 submitters: Uncertain significance (4). Last evaluated 2025-01-13.

Conditions:
SDHA-related disorder. Also called: SDHA-related disorders; SDHA-related condition.
Mitochondrial complex II deficiency, nuclear type 1. Also called: SUCCINATE CoQ REDUCTASE DEFICIENCY. Identifiers: Orphanet 3208, MedGen C5700310, MONDO:0100294, OMIM 252011.
Pheochromocytoma/paraganglioma syndrome 5. Also called: SDHA-Related Hereditary Paraganglioma-Pheochromocytoma Syndrome; Paragangliomas 5. Identifiers: Orphanet 29072, MedGen C3279992, MONDO:0013602, OMIM 614165.
Hereditary cancer-predisposing syndrome. Also called: Neoplastic Syndromes, Hereditary; Hereditary Cancer Syndrome; Tumor predisposition; Hereditary neoplastic syndrome. Identifiers: Orphanet 140162, MedGen C0027672, MeSH D009386, MONDO:0015356.

Submissions (4):

Ambry Genetics
Classification: Uncertain significance for Hereditary cancer-predisposing syndrome. Last evaluated: 2025-01-13. Review status: criteria provided, single submitter. Criteria: Ambry Variant Classification Scheme 2023. Collection method: clinical testing. Allele origin: germline.
Comment: The p.G612E variant (also known as c.1835G>A), located in coding exon 14 of the SDHA gene, results from a G to A substitution at nucleotide position 1835. The glycine at codon 612 is replaced by glutamic acid, an amino acid with similar properties. This amino acid position is highly conserved in available vertebrate species. In addition, this alteration is predicted to be deleterious by in silico analysis. Since supporting evidence is limited at this time, the clinical significance of this alteration remains unclear.

PreventionGenetics, part of Exact Sciences
Classification: Uncertain significance for SDHA-related condition. Last evaluated: 2023-01-26. Review status: criteria provided, single submitter. Criteria: ACMG Guidelines, 2015. Collection method: clinical testing. Allele origin: germline.
Comment: The SDHA c.1835G>A variant is predicted to result in the amino acid substitution p.Gly612Glu. To our knowledge, this variant has not been reported in the literature or in a large population database, indicating this variant is rare. It is interpreted as uncertain significance in ClinVar. At this time, the clinical significance of this variant is uncertain due to the absence of conclusive functional and genetic evidence.

Labcorp Genetics (formerly Invitae), Labcorp
Classification: Uncertain significance for Pheochromocytoma/paraganglioma syndrome 5; Mitochondrial complex II deficiency, nuclear type 1. Last evaluated: 2022-09-01. Review status: criteria provided, single submitter. Criteria: Invitae Variant Classification Sherloc (09022015). Collection method: clinical testing. Allele origin: germline.
Comment: In summary, the available evidence is currently insufficient to determine the role of this variant in disease. Therefore, it has been classified as a Variant of Uncertain Significance. Algorithms developed to predict the effect of missense changes on protein structure and function are either unavailable or do not agree on the potential impact of this missense change (SIFT: "Deleterious"; PolyPhen-2: "Probably Damaging"; Align-GVGD: "Class C0"). ClinVar contains an entry for this variant (Variation ID: 389139). This variant has not been reported in the literature in individuals affected with SDHA-related conditions. This variant is not present in population databases (gnomAD no frequency). This sequence change replaces glycine, which is neutral and non-polar, with glutamic acid, which is acidic and polar, at codon 612 of the SDHA protein (p.Gly612Glu).

GeneDx
Classification: Uncertain significance. Last evaluated: 2019-03-26. Review status: criteria provided, single submitter. Criteria: GeneDx Variant Classification Process June 2021. Collection method: clinical testing. Allele origin: germline. Affected: yes.
Comment: Has not been previously published as pathogenic or benign to our knowledge; Not observed in large population cohorts (Lek et al., 2016); In silico analysis, which includes protein predictors and evolutionary conservation, supports a deleterious effect